The following is an entry in ClinVar:

NM_007294.4(BRCA1):c.135-7T>A

Gene: BRCA1 (BRCA1 DNA repair associated; minus strand). Cytogenetic location: 17q21.31.
Variant type: single nucleotide variant.
Coding change: c.135-7T>A on transcript NM_007294.4 (MANE Select); 7 bases into the intron before coding-DNA position 135, T replaced by A.
Molecular consequence: intron variant.
Genome position (GRCh38, 1-based): chr17:43,106,540, A>T on the plus strand (T>A on the coding strand, the complement: BRCA1 is on the minus strand). VCF-style: chr17-43106540-A-T. GRCh37 (hg19) VCF-style: chr17-41258557-A-T.
Other names: c.-54-7T>A (NM_001408485.1, NM_001407908.1, NM_001407882.1 and 58 more transcripts); c.135-7T>A (NM_001408447.1, NM_001408433.1, NM_001407690.1 and 167 more transcripts); c.-7-7T>A (NM_001407724.1, NM_001407697.1, NM_001407838.1 and 99 more transcripts); c.135-1584T>A (NM_001408415.1, NM_001408475.1, NM_001407875.1 and 21 more transcripts); c.-218-11680T>A (NM_001407967.1, NM_001407966.1); c.-169-1584T>A (NM_001407959.1, NM_001407962.1, NM_001408512.1 and 4 more transcripts); c.81-1584T>A (NM_001408451.1).
Identifiers: ClinVar variation 868203 (VCV000868203.3), dbSNP rs1555597333, ClinGen allele CA916080919.
Genomic context (GRCh38, chr17:43,106,540, plus strand): 5'-AAAGGACACTGTGAAGGCCCTTTCTTCTGGTTGAGAAGTTTCAGCATGCAAAATCTATAA[A>T]TTATAAAGAAAGAAAGAACAATTTAATTTACTTCCTTTTGTAGAAAGAATACTCAAAAGG-3'

Conditions:
Breast-ovarian cancer, familial, susceptibility to, 1 (BROVCA1). Also called: BRCA1 Hereditary Breast and Ovarian Cancer; OVARIAN CANCER, SUSCEPTIBILITY TO. Identifiers: Orphanet 145, MedGen C2676676, MONDO:0011450, OMIM 604370. Disease mechanism: loss of function.

Submission:

Brotman Baty Institute, University of Washington
No classification provided (evidence only). Condition: Breast-ovarian cancer, familial 1. Review status: no classification provided. Collection method: in vitro. Allele origin: not applicable. Functional consequence: functionally_normal.
ClinVar note: "not provided" was previously submitted as the classification for the variant. However, the classification appeared to be based only on an observation of functional data so it was converted to no classification on 2025-07-30.